The following is an entry in ClinVar:

NM_005033.3(EXOSC9):c.20C>G (p.Ser7Ter)

Gene: EXOSC9 (exosome component 9; plus strand). Cytogenetic location: 4q27.
Variant type: single nucleotide variant.
Coding change: c.20C>G on transcript NM_005033.3 (MANE Select); coding-DNA position 20, C replaced by G.
Protein change: p.Ser7Ter; replaces serine 7 with a stop codon.
Molecular consequence: nonsense.
Genome position (GRCh38, 1-based): chr4:121,801,444, C>G. VCF-style: chr4-121801444-C-G. GRCh37 (hg19) VCF-style: chr4-122722599-C-G.
Other names: c.20C>G, p.Ser7Ter (NM_001034194.2); short protein forms S7*.
Identifiers: ClinVar variation 2578183 (VCV002578183.3), dbSNP rs1385943891, ClinGen allele CA358040878.
Genomic context (GRCh38, chr4:121,801,444, plus strand): 5'-CCCGCGGATTCTGGTGCCTGTGGGGCCGGTGACCCAACACCATGAAGGAAACGCCACTCT[C>G]AAACTGCGAACGCCGCTTCCTACTCCGTGCCATCGAAGAGAAGAAGGTATGGTTTGGTGC-3'

ClinVar aggregate classification (germline): Pathogenic/Likely pathogenic. Review status: criteria provided, multiple submitters, no conflicts (2 of 4 stars). 2 submissions from 2 submitters: Pathogenic (1); Likely pathogenic (1). Last evaluated 2026-09-27.

Conditions:
Pontocerebellar hypoplasia, type 1D. Identifiers: MedGen C4748058, MONDO:0054844, OMIM 618065.

Allele frequency attached by ClinVar (database versions not stated): TOPMed below 0.00001.

Submissions (2):

GeneDx
Classification: Pathogenic. Last evaluated: 2026-09-27. Review status: criteria provided, single submitter. Criteria: GeneDx Variant Classification Process June 2021. Collection method: clinical testing. Allele origin: germline.
Comment: Nonsense variant predicted to result in protein truncation or nonsense mediated decay in a gene for which loss of function is a known mechanism of disease; Has not been previously published as pathogenic or benign to our knowledge

First Genomix Gene Laboratory, Genetic Diagnostics Department
Classification: Likely pathogenic for Pontocerebellar hypoplasia, type 1D. Last evaluated: 2025-01-09. Review status: criteria provided, single submitter. Criteria: ACMG Guidelines, 2015. Collection method: clinical testing. Allele origin: germline. Inheritance: Autosomal recessive inheritance. Affected: no. Observed: 1 variant allele.